The following is an entry in ClinVar:

ClinVar aggregate classification (germline): Uncertain significance (1 of 4 stars; one submission).

Conditions:
Mucopolysaccharidosis, MPS-III-A (MPS3A). Also called: HEPARAN SULFATE SULFATASE DEFICIENCY; SANFILIPPO SYNDROME A; SULFAMIDASE DEFICIENCY; MPS III A; Mucopolysaccharidosis, type IIIA; MUCOPOLYSACCHARIDOSIS, TYPE IIIA, ATTENUATED. Identifiers: Orphanet 581, Orphanet 79269, MedGen C0086647, MONDO:0009655, OMIM 252900.

Allele frequency attached by ClinVar (database versions not stated): gnomAD 0.00003; gnomAD exomes 0.00003; ESP Exome Variant Server 0.00008; ExAC 0.00002; TOPMed 0.00005.
gnomAD v4.1: 51 of 1,613,748 alleles (0.0032%); highest among the groups gnomAD compares: Non-Finnish European, 0.0037%; no homozygotes.

Submission:

Labcorp Genetics (formerly Invitae), Labcorp
Classification: Uncertain significance for Mucopolysaccharidosis, MPS-III-A. Last evaluated: 2022-10-05. Review status: criteria provided, single submitter. Criteria: Invitae Variant Classification Sherloc (09022015). Collection method: clinical testing. Allele origin: germline.
Comment: This sequence change replaces arginine, which is basic and polar, with cysteine, which is neutral and slightly polar, at codon 428 of the SGSH protein (p.Arg428Cys). This variant is present in population databases (rs138267034, gnomAD 0.003%). This variant has not been reported in the literature in individuals affected with SGSH-related conditions. Advanced modeling of protein sequence and biophysical properties (such as structural, functional, and spatial information, amino acid conservation, physicochemical variation, residue mobility, and thermodynamic stability) has been performed at Invitae for this missense variant, however the output from this modeling did not meet the statistical confidence thresholds required to predict the impact of this variant on SGSH protein function. In summary, the available evidence is currently insufficient to determine the role of this variant in disease. Therefore, it has been classified as a Variant of Uncertain Significance.

NM_000199.5(SGSH):c.1282C>T (p.Arg428Cys)

Gene: SGSH (N-sulfoglucosamine sulfohydrolase; minus strand). Cytogenetic location: 17q25.3.
Variant type: single nucleotide variant.
Coding change: c.1282C>T on transcript NM_000199.5 (MANE Select); coding-DNA position 1282, C replaced by T.
Protein change: p.Arg428Cys; replaces arginine 428 with cysteine.
Molecular consequence: missense variant. On other transcripts: 3 prime UTR variant (2), non-coding transcript variant (1).
Genome position (GRCh38, 1-based): chr17:80,210,679, G>A on the plus strand (C>T on the coding strand, the complement: SGSH is on the minus strand). VCF-style: chr17-80210679-G-A. GRCh37 (hg19) VCF-style: chr17-78184478-G-A.
Other names: c.*369C>T (NM_001352921.3); c.*332C>T (NM_001352922.2); short protein forms R428C.
Identifiers: ClinVar variation 2070206 (VCV002070206.1), dbSNP rs138267034, ClinGen allele CA8817629.